The following is an entry in ClinVar:

ClinVar aggregate classification (germline): Uncertain significance (1 of 4 stars; one submission).

Conditions:
Inborn genetic diseases. Identifiers: MedGen C0950123, MeSH D030342.

Submission:

Ambry Genetics
Classification: Uncertain significance for Inborn genetic diseases. Last evaluated: 2025-09-12. Review status: criteria provided, single submitter. Criteria: Ambry Variant Classification Scheme 2023. Collection method: clinical testing. Allele origin: germline.
Comment: The p.L620P variant (also known as c.1859T>C), located in coding exon 12 of the BMPR2 gene, results from a T to C substitution at nucleotide position 1859. The leucine at codon 620 is replaced by proline, an amino acid with similar properties. This amino acid position is conserved. In addition, the in silico prediction for this alteration is inconclusive. Based on the available evidence, the clinical significance of this variant remains unclear.

NM_001204.7(BMPR2):c.1859T>C (p.Leu620Pro)

Gene: BMPR2 (bone morphogenetic protein receptor type 2; plus strand). Cytogenetic location: 2q33.2.
Variant type: single nucleotide variant.
Coding change: c.1859T>C on transcript NM_001204.7 (MANE Select); coding-DNA position 1859, T replaced by C.
Protein change: p.Leu620Pro; replaces leucine 620 with proline.
Molecular consequence: missense variant.
Genome position (GRCh38, 1-based): chr2:202,555,524, T>C. VCF-style: chr2-202555524-T-C. GRCh37 (hg19) VCF-style: chr2-203420247-T-C.
Other names: short protein forms L620P.
Identifiers: ClinVar variation 4214564 (VCV004214564.1).